The following is an entry in ClinVar:

ClinVar aggregate classification (germline): Uncertain significance (1 of 4 stars; one submission).

Submission:

Labcorp Genetics (formerly Invitae), Labcorp
Classification: Uncertain significance. Last evaluated: 2022-04-24. Review status: criteria provided, single submitter. Criteria: Invitae Variant Classification Sherloc (09022015). Collection method: clinical testing. Allele origin: germline.
Comment: In summary, the available evidence is currently insufficient to determine the role of this variant in disease. Therefore, it has been classified as a Variant of Uncertain Significance. Algorithms developed to predict the effect of missense changes on protein structure and function are either unavailable or do not agree on the potential impact of this missense change (SIFT: "Tolerated"; PolyPhen-2: "Probably Damaging"; Align-GVGD: "Class C0"). This variant has not been reported in the literature in individuals affected with ROBO1-related conditions. This variant is not present in population databases (gnomAD no frequency). This sequence change replaces asparagine, which is neutral and polar, with aspartic acid, which is acidic and polar, at codon 756 of the ROBO1 protein (p.Asn756Asp).

NM_002941.4(ROBO1):c.2266A>G (p.Asn756Asp)

Gene: ROBO1 (roundabout guidance receptor 1; minus strand). Cytogenetic location: 3p12.3.
Variant type: single nucleotide variant.
Coding change: c.2266A>G on transcript NM_002941.4 (MANE Select); coding-DNA position 2266, A replaced by G.
Protein change: p.Asn756Asp; replaces asparagine 756 with aspartic acid.
Molecular consequence: missense variant.
Genome position (GRCh38, 1-based): chr3:78,661,084, T>C on the plus strand (A>G on the coding strand, the complement: ROBO1 is on the minus strand). VCF-style: chr3-78661084-T-C. GRCh37 (hg19) VCF-style: chr3-78710234-T-C.
Other names: c.2158A>G, p.Asn720Asp (NM_001145844.1, NM_001145845.2, NM_133631.4); short protein forms N756D, N720D.
Identifiers: ClinVar variation 2129959 (VCV002129959.4), dbSNP rs2472119070, ClinGen allele CA353664487.